The following is an entry in ClinVar:

NC_000021.9:g.32728021C>G

Gene: SYNJ1 (synaptojanin 1; minus strand). Cytogenetic location: 21q22.11.
Variant type: single nucleotide variant.
Molecular consequence: missense variant (on NM_003895.4).
Genome position: GRCh38 VCF-style: chr21-32728021-C-G. GRCh37 (hg19) VCF-style: chr21-34100332-C-G.
Other names: c.20G>C, p.Cys7Ser (NM_003895.4); short protein forms C7S.
Identifiers: ClinVar variation 1929115 (VCV001929115.5), dbSNP rs1356107430, ClinGen allele CA410078900.

ClinVar aggregate classification (germline): Uncertain significance (1 of 4 stars; one submission).

Conditions:
Developmental and epileptic encephalopathy, 53. Also called: Epileptic encephalopathy, early infantile, 53. Identifiers: MedGen C4479313, MONDO:0033362, OMIM 617389.
Early-onset Parkinson disease 20. Also called: PARKINSON DISEASE 20, AUTOSOMAL RECESSIVE EARLY-ONSET. Identifiers: Orphanet 391411, MedGen C3809824, MONDO:0014233, OMIM 615530.

gnomAD v4.1: 4 of 1,535,954 alleles (0.00026%); highest among the groups gnomAD compares: Admixed American, 0.002%; no homozygotes.

Submission:

Labcorp Genetics (formerly Invitae), Labcorp
Classification: Uncertain significance for Developmental and epileptic encephalopathy, 53; Early-onset Parkinson disease 20. Last evaluated: 2022-06-08. Review status: criteria provided, single submitter. Criteria: Invitae Variant Classification Sherloc (09022015). Collection method: clinical testing. Allele origin: germline.
Comment: This sequence change replaces cysteine, which is neutral and slightly polar, with serine, which is neutral and polar, at codon 7 of the SYNJ1 protein (p.Cys7Ser). This variant is present in population databases (no rsID available, gnomAD 0.004%). This variant has not been reported in the literature in individuals affected with SYNJ1-related conditions. Algorithms developed to predict the effect of missense changes on protein structure and function are either unavailable or do not agree on the potential impact of this missense change (SIFT: "Deleterious"; PolyPhen-2: "Benign"; Align-GVGD: "Class C0"). In summary, the available evidence is currently insufficient to determine the role of this variant in disease. Therefore, it has been classified as a Variant of Uncertain Significance.